The following is an entry in ClinVar:

ClinVar aggregate classification (germline): Pathogenic (1 of 4 stars; one submission).

Submission:

GeneDx
Classification: Pathogenic. Last evaluated: 2023-10-26. Review status: criteria provided, single submitter. Criteria: GeneDx Variant Classification Process June 2021. Collection method: clinical testing. Allele origin: germline. Affected: yes.
Comment: Nonsense variant predicted to result in protein truncation or nonsense mediated decay in a gene for which loss of function is a known mechanism of disease; Not observed at significant frequency in large population cohorts (gnomAD); Has not been previously published as pathogenic or benign to our knowledge

NM_003482.4(KMT2D):c.2635G>T (p.Glu879Ter)

Gene: KMT2D (lysine methyltransferase 2D; minus strand). Cytogenetic location: 12q13.12.
Variant type: single nucleotide variant.
Coding change: c.2635G>T on transcript NM_003482.4 (MANE Select); coding-DNA position 2635, G replaced by T.
Protein change: p.Glu879Ter; replaces glutamic acid 879 with a stop codon.
Molecular consequence: nonsense.
Genome position (GRCh38, 1-based): chr12:49,051,048, C>A on the plus strand (G>T on the coding strand, the complement: KMT2D is on the minus strand). VCF-style: chr12-49051048-C-A. GRCh37 (hg19) VCF-style: chr12-49444831-C-A.
Other names: short protein forms E879*.
Identifiers: ClinVar variation 3340299 (VCV003340299.1).
Genomic context (GRCh38, chr12:49,051,048, plus strand): 5'-CTGGCTCTCCAAGCAAGGGAGATAAGGATGGTTCCCCAGGGGGAGGGAACAAGGGCAGCT[C>A]CTCAGGTGCAGGGCATTGGCCTGGCTCCTCAGGGGGCTTTTCAGGCCGAGGGGACAGGGG-3'